The following is an entry in ClinVar:

ClinVar aggregate classification (germline): Uncertain significance (1 of 4 stars; one submission).

Allele frequency attached by ClinVar (database versions not stated): gnomAD exomes below 0.00001; ExAC 0.00001; TOPMed 0.00002.
gnomAD v4.1: 6 of 1,613,784 alleles (0.00037%); highest among the groups gnomAD compares: Admixed American, 0.005%; no homozygotes.

Submission:

Labcorp Genetics (formerly Invitae), Labcorp
Classification: Uncertain significance. Last evaluated: 2024-11-11. Review status: criteria provided, single submitter. Criteria: Invitae Variant Classification Sherloc (09022015). Collection method: clinical testing. Allele origin: germline.
Comment: This sequence change replaces asparagine, which is neutral and polar, with lysine, which is basic and polar, at codon 2212 of the NBAS protein (p.Asn2212Lys). This variant is present in population databases (rs779958737, gnomAD 0.009%). This variant has not been reported in the literature in individuals affected with NBAS-related conditions. ClinVar contains an entry for this variant (Variation ID: 1939416). Invitae Evidence Modeling of protein sequence and biophysical properties (such as structural, functional, and spatial information, amino acid conservation, physicochemical variation, residue mobility, and thermodynamic stability) indicates that this missense variant is not expected to disrupt NBAS protein function with a negative predictive value of 95%. In summary, the available evidence is currently insufficient to determine the role of this variant in disease. Therefore, it has been classified as a Variant of Uncertain Significance.

NM_015909.4(NBAS):c.6636C>A (p.Asn2212Lys)

Gene: NBAS (NBAS subunit of NRZ tethering complex; minus strand). Cytogenetic location: 2p24.3.
Variant type: single nucleotide variant.
Coding change: c.6636C>A on transcript NM_015909.4 (MANE Select); coding-DNA position 6636, C replaced by A.
Protein change: p.Asn2212Lys; replaces asparagine 2212 with lysine.
Molecular consequence: missense variant. On other transcripts: non-coding transcript variant (1).
Genome position (GRCh38, 1-based): chr2:15,186,817, G>T on the plus strand (C>A on the coding strand, the complement: NBAS is on the minus strand). VCF-style: chr2-15186817-G-T. GRCh37 (hg19) VCF-style: chr2-15326941-G-T.
Other names: short protein forms N2212K.
Identifiers: ClinVar variation 1939416 (VCV001939416.4), dbSNP rs779958737, ClinGen allele CA1534945.
Genomic context (GRCh38, chr2:15,186,817, plus strand): 5'-CTGCTTGGTGTTATACAAAGAGCGACACATTTTCAAAACTTCATTCCCCAATCCTTCCTT[G>T]TTCTCCATCGTACATCTGGTTAGCATCACTGTAGCTAGTCTCACCCATGGATTATTGGTT-3'
Protein context (NP_056993.2, residues 2202-2222): TVMLTRCTME[Asn2212Lys]KEGLGNEVLK